The following is an entry in ClinVar:

ClinVar aggregate classification (germline): Likely benign. Review status: criteria provided, multiple submitters, no conflicts (2 of 4 stars). 2 submissions from 2 submitters: Likely benign (2). Last evaluated 2024-10-28.

Conditions:
Ehlers-Danlos syndrome, classic type, 1 (EDSCL1). Also called: EHLERS-DANLOS SYNDROME, GRAVIS TYPE; EHLERS-DANLOS SYNDROME, SEVERE CLASSIC TYPE; EDS I; Ehlers-Danlos Syndrome, Classic Type, COL5A1-Related; Ehlers-Danlos syndrome, type 1. Identifiers: MedGen C0268335, MONDO:0019567, OMIM 130000.
Osteogenesis imperfecta type I (OI1). Also called: OI, TYPE I; OSTEOGENESIS IMPERFECTA TARDA; OSTEOGENESIS IMPERFECTA WITH BLUE SCLERAE; Classic Non-deforming Osteogenesis Imperfecta with Blue Sclerae; Lobstein disease; Osteogenesis imperfecta type 1. Identifiers: Orphanet 216796, Orphanet 666, MedGen C0023931, MONDO:0008146, OMIM 166200. Disease mechanism: loss of function.

Allele frequency attached by ClinVar (database versions not stated): gnomAD 0.00001 and below 0.00001; gnomAD exomes 0.00002 and 0.00005; ExAC 0.00003.
gnomAD v4.1: 36 of 1,613,080 alleles (0.0022%); highest among the groups gnomAD compares: South Asian, 0.037%; no homozygotes.

Submissions (2):

Labcorp Genetics (formerly Invitae), Labcorp
Classification: Likely benign for Osteogenesis imperfecta type I; Ehlers-Danlos syndrome, classic type, 1. Last evaluated: 2024-10-28. Review status: criteria provided, single submitter. Criteria: Invitae Variant Classification Sherloc (09022015). Collection method: clinical testing. Allele origin: germline.

GeneDx
Classification: Likely benign. Last evaluated: 2017-07-10. Review status: criteria provided, single submitter. Criteria: GeneDx Variant Classification (06012015). Collection method: clinical testing. Allele origin: germline. Affected: yes.
Comment: This variant is considered likely benign or benign based on one or more of the following criteria: it is a conservative change, it occurs at a poorly conserved position in the protein, it is predicted to be benign by multiple in silico algorithms, and/or has population frequency not consistent with disease.

NM_000089.4(COL1A2):c.2080-4A>G

Gene: COL1A2 (collagen type I alpha 2 chain; plus strand). Cytogenetic location: 7q21.3.
Variant type: single nucleotide variant.
Coding change: c.2080-4A>G on transcript NM_000089.4 (MANE Select); 4 bases into the intron before coding-DNA position 2080, A replaced by G.
Molecular consequence: intron variant.
Genome position (GRCh38, 1-based): chr7:94,420,229, A>G. VCF-style: chr7-94420229-A-G. GRCh37 (hg19) VCF-style: chr7-94049541-A-G.
Identifiers: ClinVar variation 510549 (VCV000510549.3), dbSNP rs747898313, ClinGen allele CA4347307.